The following is an entry in ClinVar:

NM_000116.5(TAFAZZIN):c.370G>T (p.Gly124Ter)

Gene: TAFAZZIN (tafazzin, phospholipid-lysophospholipid transacylase; plus strand). Cytogenetic location: Xq28.
Variant type: single nucleotide variant.
Coding change: c.370G>T on transcript NM_000116.5 (MANE Select); coding-DNA position 370, G replaced by T.
Protein change: p.Gly124Ter; replaces glycine 124 with a stop codon.
Molecular consequence: nonsense. On other transcripts: non-coding transcript variant (1).
Genome position (GRCh38, 1-based): chrX:154,413,567, G>T. VCF-style: chrX-154413567-G-T. GRCh37 (hg19) VCF-style: chrX-153641904-G-T.
Other names: c.424G>T, p.Gly142Ter (NM_001303465.2); c.370G>T, p.Gly124Ter (NM_181311.4, NM_181312.4, NM_181313.4); short protein forms G142*, G124*.
Identifiers: ClinVar variation 638931 (VCV000638931.7), dbSNP rs1603377945, ClinGen allele CA415182157.
Genomic context (GRCh38, chrX:154,413,567, plus strand): 5'-TTCACCAAGGAGCTACACTCCCACTTCTTCAGCTTGGGCAAGTGTGTGCCTGTGTGCCGA[G>T]GTGAGCTGCTCCTCCAGCGAGTGCAGGGAGGCACTTCTGGGGCAGGAAAGCTGGTGGCCA-3'

ClinVar aggregate classification (germline): Pathogenic. Review status: criteria provided, multiple submitters, no conflicts (2 of 4 stars). 2 submissions from 2 submitters: Pathogenic (2). Last evaluated 2024-04-22.

Conditions:
3-Methylglutaconic aciduria type 2 (BTHS). Also called: CARDIOSKELETAL MYOPATHY WITH NEUTROPENIA AND ABNORMAL MITOCHONDRIA; Barth syndrome. Identifiers: Orphanet 111, MedGen C0574083, MONDO:0010543, OMIM 302060.

Submissions (2):

Labcorp Genetics (formerly Invitae), Labcorp
Classification: Pathogenic for 3-Methylglutaconic aciduria type 2. Last evaluated: 2024-04-22. Review status: criteria provided, single submitter. Criteria: Invitae Variant Classification Sherloc (09022015). Collection method: clinical testing. Allele origin: germline.
Comment: This sequence change creates a premature translational stop signal (p.Gly124*) in the TAZ gene. It is expected to result in an absent or disrupted protein product. Loss-of-function variants in TAZ are known to be pathogenic (PMID: 16427346, 22382802, 23409742). This variant is not present in population databases (gnomAD no frequency). This premature translational stop signal has been observed in individual(s) with Barth syndrome (PMID: 14662265). ClinVar contains an entry for this variant (Variation ID: 638931). Algorithms developed to predict the effect of sequence changes on RNA splicing suggest that this variant may disrupt the consensus splice site. This variant disrupts the p.Gly216 amino acid residue in TAZ. Other variant(s) that disrupt this residue have been determined to be pathogenic (PMID: 9382096, 16880272, 23361305, 23656970, 24887148). This suggests that this residue is clinically significant, and that variants that disrupt this residue are likely to be disease-causing. For these reasons, this variant has been classified as Pathogenic.

Molecular Diagnostics Lab, Nemours Children's Health, Delaware
Classification: Pathogenic for 3-Methylglutaconic aciduria type 2. Last evaluated: 2020-06-24. Review status: criteria provided, single submitter. Criteria: ACMG Guidelines, 2015. Collection method: clinical testing. Allele origin: unknown. Inheritance: X-linked inheritance. Affected: yes. Observed: 1 hemizygote.

Literature cited by the submitters: PubMed 16427346 (cited by Labcorp Genetics (formerly Invitae), Labcorp); PubMed 22382802 (cited by Labcorp Genetics (formerly Invitae), Labcorp); PubMed 23409742 (cited by Labcorp Genetics (formerly Invitae), Labcorp); PubMed 14662265 (cited by Labcorp Genetics (formerly Invitae), Labcorp and Molecular Diagnostics Lab, Nemours Children's Health, Delaware); PubMed 9382096 (cited by Labcorp Genetics (formerly Invitae), Labcorp); PubMed 16880272 (cited by Labcorp Genetics (formerly Invitae), Labcorp); PubMed 23361305 (cited by Labcorp Genetics (formerly Invitae), Labcorp); PubMed 23656970 (cited by Labcorp Genetics (formerly Invitae), Labcorp); PubMed 24887148 (cited by Labcorp Genetics (formerly Invitae), Labcorp).